The following is an entry in ClinVar:

ClinVar aggregate classification (germline): Pathogenic (1 of 4 stars; one submission).

Conditions:
Intellectual developmental disorder with abnormal behavior, microcephaly, and short stature. Identifiers: MedGen C5193039, MONDO:0032687, OMIM 618342.

Submission:

3billion
Classification: Pathogenic for Intellectual developmental disorder with abnormal behavior, microcephaly, and short stature. Last evaluated: 2025-06-19. Review status: criteria provided, single submitter. Criteria: ACMG Guidelines, 2015. Collection method: clinical testing. Allele origin: germline. Affected: yes.
Comment: The variant is not observed in the gnomAD v4.1.0 dataset. Predicted Consequence/Location: Stop-gained (nonsense): predicted to result in a loss or disruption of normal protein function through nonsense-mediated decay (NMD) or protein truncation. Multiple pathogenic variants are reported downstream of the variant. Therefore, this variant is classified as Pathogenic according to the recommendation of ACMG/AMP guideline.

NM_019042.5(PUS7):c.1275G>A (p.Trp425Ter)

Gene: PUS7 (pseudouridine synthase 7; minus strand). Cytogenetic location: 7q22.3.
Variant type: single nucleotide variant.
Coding change: c.1275G>A on transcript NM_019042.5 (MANE Select); coding-DNA position 1275, G replaced by A.
Protein change: p.Trp425Ter; replaces tryptophan 425 with a stop codon.
Molecular consequence: nonsense.
Genome position (GRCh38, 1-based): chr7:105,470,811, C>T on the plus strand (G>A on the coding strand, the complement: PUS7 is on the minus strand). VCF-style: chr7-105470811-C-T. GRCh37 (hg19) VCF-style: chr7-105111258-C-T.
Other names: c.1293G>A, p.Trp431Ter (NM_001318163.1); c.1275G>A, p.Trp425Ter (NM_001318164.2); short protein forms W425*, W431*.
Identifiers: ClinVar variation 4855897 (VCV004855897.1).